The following is an entry in ClinVar:

ClinVar aggregate classification (germline): Uncertain significance (1 of 4 stars; one submission).

Allele frequency attached by ClinVar (database versions not stated): TOPMed below 0.00001; ExAC 0.00001; gnomAD 0.00001 and 0.00002; gnomAD exomes 0.00001 and 0.00002.
gnomAD v4.1: 28 of 1,614,080 alleles (0.0017%); highest among the groups gnomAD compares: South Asian, 0.0099%; no homozygotes.

Submission:

GeneDx
Classification: Uncertain significance. Last evaluated: 2019-12-12. Review status: criteria provided, single submitter. Criteria: GeneDx Variant Classification Process June 2021. Collection method: clinical testing. Allele origin: germline. Affected: yes.
Comment: In silico analysis, which includes protein predictors and evolutionary conservation, supports that this variant does not alter protein structure/function; Has not been previously published as pathogenic or benign to our knowledge

NM_000369.5(TSHR):c.167C>T (p.Thr56Ile)

Genes: CEP128 (centrosomal protein 128; minus strand), TSHR (thyroid stimulating hormone receptor; plus strand). Cytogenetic location: 14q31.1.
Variant type: single nucleotide variant.
Coding change: c.167C>T on transcript NM_000369.5 (MANE Select); coding-DNA position 167, C replaced by T.
Protein change: p.Thr56Ile; replaces threonine 56 with isoleucine.
Molecular consequence: missense variant.
Genome position (GRCh38, 1-based): chr14:80,955,847, C>T. VCF-style: chr14-80955847-C-T. GRCh37 (hg19) VCF-style: chr14-81422191-C-T.
Other names: c.167C>T, p.Thr56Ile (NM_001018036.3, NM_001142626.3); short protein forms T56I.
Identifiers: ClinVar variation 1310972 (VCV001310972.2), dbSNP rs781625203, ClinGen allele CA7293998.